The following is an entry in ClinVar:

NM_000138.5(FBN1):c.1589-1G>A

Gene: FBN1 (fibrillin 1; minus strand). Cytogenetic location: 15q21.1.
Variant type: single nucleotide variant.
Coding change: c.1589-1G>A on transcript NM_000138.5 (MANE Select); the canonical splice acceptor site of the intron before coding-DNA position 1589, G replaced by A.
Molecular consequence: splice acceptor variant.
Genome position (GRCh38, 1-based): chr15:48,510,170, C>T on the plus strand (G>A on the coding strand, the complement: FBN1 is on the minus strand). VCF-style: chr15-48510170-C-T. GRCh37 (hg19) VCF-style: chr15-48802367-C-T.
Other names: c.1589-1G>A (NM_001406716.1).
Identifiers: ClinVar variation 527198 (VCV000527198.9), dbSNP rs1555400077, ClinGen allele CA392341424.

ClinVar aggregate classification (germline): Pathogenic (1 of 4 stars; one submission).

Conditions:
Familial thoracic aortic aneurysm and aortic dissection (TAAD). Also called: Thoracic aortic aneurysms and dissections. Identifiers: Orphanet 91387, MedGen C4707243, MONDO:0019625.
Marfan syndrome (MFS). Also called: Marfan syndrome type 1; Marfan syndrome, classic; Marfan's syndrome; FBN1-Related Marfan Syndrome; MARFAN SYNDROME, TYPE I. Identifiers: Orphanet 284963, Orphanet 558, MedGen C0024796, MONDO:0007947, OMIM 154700.

Submission:

Labcorp Genetics (formerly Invitae), Labcorp
Classification: Pathogenic for Marfan syndrome; Familial thoracic aortic aneurysm and aortic dissection. Last evaluated: 2017-08-29. Review status: criteria provided, single submitter. Criteria: Invitae Variant Classification Sherloc (09022015). Collection method: clinical testing. Allele origin: germline.
Comment: This sequence change affects an acceptor splice site in intron 13 of the FBN1 gene. It is expected to disrupt RNA splicing and likely results in an absent or disrupted protein product. For these reasons, this variant has been classified as Pathogenic. Donor and acceptor splice site variants typically lead to a loss of protein function (PMID: 16199547), and loss-of-function variants in FBN1 are known to be pathogenic (PMID: 17657824, 19293843). Algorithms developed to predict the effect of sequence changes on RNA splicing suggest that this variant may disrupt the consensus splice site, but this prediction has not been confirmed by published transcriptional studies. This variant has been reported in individuals affected with Marfan syndrome (PMID: 27724990, 27611364). This variant is not present in population databases (ExAC no frequency).

Literature cited by the submitters: PubMed 16199547; PubMed 17657824; PubMed 19293843; PubMed 27724990; PubMed 27611364.